The following is an entry in ClinVar:

NM_022124.6(CDH23):c.4210-14A>C

Gene: CDH23 (cadherin related 23; plus strand). Cytogenetic location: 10q22.1.
Variant type: single nucleotide variant.
Coding change: c.4210-14A>C on transcript NM_022124.6 (MANE Select); 14 bases into the intron before coding-DNA position 4210, A replaced by C.
Molecular consequence: intron variant.
Genome position (GRCh38, 1-based): chr10:71,738,484, A>C. VCF-style: chr10-71738484-A-C. GRCh37 (hg19) VCF-style: chr10-73498241-A-C.
Identifiers: ClinVar variation 227225 (VCV000227225.18), dbSNP rs149441656, ClinGen allele CA5544984.
Genomic context (GRCh38, chr10:71,738,484, plus strand): 5'-CCACGGTGGGACCCAGGTGTTTGGGGCCAAGGAGGGGAAGGAGGCTGTAGGTCTCTGACC[A>C]CGTTCACCCTCAGGTCTACATCACTGTGCTGGACGAGAATGACAACAGCCCCCGGTTTGA-3'

ClinVar aggregate classification (germline): Benign/Likely benign. Review status: criteria provided, multiple submitters, no conflicts (2 of 4 stars). 6 submissions from 6 submitters: Benign (2); Likely benign (4). Last evaluated 2026-03-17.

Allele frequency attached by ClinVar (database versions not stated): 1000 Genomes Project 30x 0.00125; gnomAD 0.00164 and 0.00179; ESP Exome Variant Server 0.00165; TOPMed 0.00187; gnomAD exomes 0.00012 and 0.00038; ExAC 0.00039; 1000 Genomes Project 0.00060.
gnomAD v4.1: 441 of 1,613,918 alleles (0.027%); highest among the groups gnomAD compares: African/African-American, 0.5%; 2 homozygotes.

Submissions (6):

Women's Health and Genetics/Laboratory Corporation of America, LabCorp
Classification: Likely benign. Last evaluated: 2026-03-17. Review status: criteria provided, single submitter. Criteria: LabCorp Variant Classification Summary - May 2015. Collection method: clinical testing. Allele origin: germline.

Labcorp Genetics (formerly Invitae), Labcorp
Classification: Benign. Last evaluated: 2026-01-05. Review status: criteria provided, single submitter. Criteria: Invitae Variant Classification Sherloc (09022015). Collection method: clinical testing. Allele origin: germline.

Blueprint Genetics
Classification: Likely benign. Last evaluated: 2024-11-20. Review status: criteria provided, single submitter. Criteria: ACMG Guidelines, 2015. Collection method: clinical testing. Allele origin: germline.

GeneDx
Classification: Likely benign. Last evaluated: 2020-05-18. Review status: criteria provided, single submitter. Criteria: GeneDx Variant Classification Process June 2021. Collection method: clinical testing. Allele origin: germline. Affected: yes.

Laboratory for Molecular Medicine, Mass General Brigham Personalized Medicine
Classification: Benign. Last evaluated: 2016-04-21. Review status: criteria provided, single submitter. Criteria: LMM Criteria. Collection method: clinical testing. Allele origin: germline. Observed: 2 variant alleles.
Comment: c.4210-14A>C in Intron 34 of CDH23: This variant is not expected to have clinica l significance because it has been identified in 0.4% (43/9800) of African chrom osomes by the Exome Aggregation Consortium (ExAC ; dbSNP rs149441656).

Breakthrough Genomics
Classification: Likely benign. Review status: criteria provided, single submitter. Criteria: ACMG Guidelines, 2015. Collection method: not provided. Allele origin: germline. Inheritance: Autosomal recessive inheritance. Affected: yes.